The following is an entry in ClinVar:

NM_032242.4(PLXNA1):c.3606G>A (p.Ser1202=)

Gene: PLXNA1 (plexin A1; plus strand). Cytogenetic location: 3q21.3.
Variant type: single nucleotide variant.
Coding change: c.3606G>A on transcript NM_032242.4 (MANE Select); coding-DNA position 3606, G replaced by A.
Protein change: p.Ser1202=; no amino-acid change (serine 1202 retained).
Molecular consequence: synonymous variant.
Genome position (GRCh38, 1-based): chr3:127,017,838, G>A. VCF-style: chr3-127017838-G-A. GRCh37 (hg19) VCF-style: chr3-126736681-G-A.
Identifiers: ClinVar variation 790544 (VCV000790544.19), dbSNP rs76967585, ClinGen allele CA2594085.

ClinVar aggregate classification (germline): Benign/Likely benign. Review status: criteria provided, multiple submitters, no conflicts (2 of 4 stars). 3 submissions from 3 submitters: Benign (2); Likely benign (1). Last evaluated 2026-01-20.

Allele frequency attached by ClinVar (database versions not stated): gnomAD exomes 0.00094; ExAC 0.00137; gnomAD 0.00341 and 0.00358; TOPMed 0.00397; ESP Exome Variant Server 0.00438; 1000 Genomes Project 0.00539; 1000 Genomes Project 30x 0.00547.
gnomAD v4.1: 1,078 of 1,612,852 alleles (0.067%); highest among the groups gnomAD compares: African/African-American, 1.2%; 11 homozygotes.

Submissions (3):

Labcorp Genetics (formerly Invitae), Labcorp
Classification: Benign. Last evaluated: 2026-01-20. Review status: criteria provided, single submitter. Criteria: Invitae Variant Classification Sherloc (09022015). Collection method: clinical testing. Allele origin: germline.

CeGaT Center for Human Genetics Tuebingen
Classification: Likely benign. Last evaluated: 2025-02-01. Review status: criteria provided, single submitter. Criteria: CeGaT Center For Human Genetics Tuebingen Variant Classification Criteria Version 2. Collection method: clinical testing. Allele origin: germline. Affected: yes. Observed: 1 variant allele.
Comment: PLXNA1: BP4, BP7, BS1

Breakthrough Genomics
Classification: Benign. Review status: criteria provided, single submitter. Criteria: ACMG Guidelines, 2015. Collection method: not provided. Allele origin: germline. Inheritance: Autosomal recessive inheritance. Affected: yes.